The following is an entry in ClinVar:

NM_003183.6(ADAM17):c.2465_2466del (p.Thr822fs)

Genes: ADAM17 (ADAM metallopeptidase domain 17; minus strand), IAH1 (isoamyl acetate hydrolyzing esterase 1 (putative); plus strand). Cytogenetic location: 2p25.1.
Variant type: Deletion.
Coding change: c.2465_2466del on transcript NM_003183.6 (MANE Select); coding-DNA positions 2465 to 2466, 2 bases deleted (CA; older notation c.2465_2466delCA).
Protein change: p.Thr822fs; shifts the reading frame from threonine 822.
Molecular consequence: frameshift variant.
Genome position (GRCh38, 1-based): chr2:9,490,186-9,490,187, TG deleted on the plus strand (CA on the coding strand, the reverse complement: ADAM17 is on the minus strand); deleting any 2 consecutive bases within chr2:9,490,186-9,490,188 gives the same sequence; the c. name uses the placement nearest the transcript's 3' end. VCF-style (leftmost placement, unchanged base first): chr2-9490185-CTG-C. GRCh37 (hg19) VCF-style: chr2-9630314-CTG-C.
Other names: c.1805_1806del, p.Thr602fs (NM_001382777.1); c.1568_1569del, p.Thr523fs (NM_001382778.1); short protein forms T523fs, T602fs, T822fs.
Identifiers: ClinVar variation 1444188 (VCV001444188.6), dbSNP rs1222616180, ClinGen allele CA895476189.

ClinVar aggregate classification (germline): Uncertain significance (1 of 4 stars; one submission).

Conditions:
Inflammatory skin and bowel disease, neonatal, 1. Identifiers: Orphanet 294023, MedGen C3280501, MONDO:0013693, OMIM 614328.

Submission:

Labcorp Genetics (formerly Invitae), Labcorp
Classification: Uncertain significance for Inflammatory skin and bowel disease, neonatal, 1. Last evaluated: 2021-10-22. Review status: criteria provided, single submitter. Criteria: Invitae Variant Classification Sherloc (09022015). Collection method: clinical testing. Allele origin: germline.
Comment: In summary, the available evidence is currently insufficient to determine the role of this variant in disease. Therefore, it has been classified as a Variant of Uncertain Significance. Experimental studies and prediction algorithms are not available or were not evaluated, and the functional significance of this variant is currently unknown. This variant has not been reported in the literature in individuals affected with ADAM17-related conditions. This variant is not present in population databases (ExAC no frequency). This sequence change results in a frameshift in the ADAM17 gene (p.Thr822Argfs*5). While this is not anticipated to result in nonsense mediated decay, it is expected to disrupt the last 3 amino acid(s) of the ADAM17 protein and extend the protein by 1 additional amino acid residues.